The following is an entry in ClinVar:

ClinVar aggregate classification (germline): Uncertain significance. Review status: criteria provided, multiple submitters, no conflicts (2 of 4 stars). 4 submissions from 4 submitters: Uncertain significance (4). Last evaluated 2026-01-05.

Conditions:
Hereditary cancer-predisposing syndrome. Also called: Hereditary Cancer Syndrome; Neoplastic Syndromes, Hereditary; Tumor predisposition; Hereditary neoplastic syndrome. Identifiers: Orphanet 140162, MedGen C0027672, MeSH D009386, MONDO:0015356.

Allele frequency attached by ClinVar (database versions not stated): gnomAD exomes 0.00001; gnomAD 0.00001; ExAC 0.00002; TOPMed 0.00002.

Submissions (4):

Dasa
Classification: Uncertain significance. Last evaluated: 2026-01-05. Review status: criteria provided, single submitter. Criteria: DASA Assertion Criteria. Collection method: clinical testing. Allele origin: germline.
Comment: NM_006361.6(HOXB13):c.739C>T (p.Arg247Cys) is a missense variant that results in the substitution of arginine with cysteine. This variant is rare in population databases. Computational prediction algorithms are consistent with a deleterious effect. The currently available literature and clinical evidence are not sufficient to establish a definitive association between this variant and the reported condition. Therefore, this variant is classified as a variant of uncertain significance.

Labcorp Genetics (formerly Invitae), Labcorp
Classification: Uncertain significance. Last evaluated: 2025-10-03. Review status: criteria provided, single submitter. Criteria: Invitae Variant Classification Sherloc (09022015). Collection method: clinical testing. Allele origin: germline.
Comment: This sequence change replaces arginine, which is basic and polar, with cysteine, which is neutral and slightly polar, at codon 247 of the HOXB13 protein (p.Arg247Cys). This variant is present in population databases (rs750244360, gnomAD 0.002%). This missense change has been observed in individual(s) with prostate cancer (PMID: 22781434, 36095024). ClinVar contains an entry for this variant (Variation ID: 827017). Invitae Evidence Modeling of protein sequence and biophysical properties (such as structural, functional, and spatial information, amino acid conservation, physicochemical variation, residue mobility, and thermodynamic stability) indicates that this missense variant is expected to disrupt HOXB13 protein function with a positive predictive value of 80%. In summary, the available evidence is currently insufficient to determine the role of this variant in disease. Therefore, it has been classified as a Variant of Uncertain Significance.

GeneDx
Classification: Uncertain significance. Last evaluated: 2024-11-18. Review status: criteria provided, single submitter. Criteria: GeneDx Variant Classification Process June 2021. Collection method: clinical testing. Allele origin: germline. Affected: yes.
Comment: Not observed at significant frequency in large population cohorts (gnomAD); In silico analysis supports that this missense variant has a deleterious effect on protein structure/function; This variant is associated with the following publications: (PMID: 28072499, 36095024, 22781434)

Ambry Genetics
Classification: Uncertain significance for Hereditary cancer-predisposing syndrome. Last evaluated: 2024-09-06. Review status: criteria provided, single submitter. Criteria: Ambry Variant Classification Scheme 2023. Collection method: clinical testing. Allele origin: germline.
Comment: The p.R247C variant (also known as c.739C>T), located in coding exon 2 of the HOXB13 gene, results from a C to T substitution at nucleotide position 739. The arginine at codon 247 is replaced by cysteine, an amino acid with highly dissimilar properties. This amino acid position is highly conserved in available vertebrate species. In addition, this alteration is predicted to be deleterious by in silico analysis. Based on the available evidence, the clinical significance of this variant remains unclear.

Literature cited by the submitters: PubMed 22781434 (cited by Labcorp Genetics (formerly Invitae), Labcorp); PubMed 36095024 (cited by Labcorp Genetics (formerly Invitae), Labcorp).

NM_006361.6(HOXB13):c.739C>T (p.Arg247Cys)

Gene: HOXB13 (homeobox B13; minus strand). Cytogenetic location: 17q21.32.
Variant type: single nucleotide variant.
Coding change: c.739C>T on transcript NM_006361.6 (MANE Select); coding-DNA position 739, C replaced by T.
Protein change: p.Arg247Cys; replaces arginine 247 with cysteine.
Molecular consequence: missense variant.
Genome position (GRCh38, 1-based): chr17:48,726,906, G>A on the plus strand (C>T on the coding strand, the complement: HOXB13 is on the minus strand). VCF-style: chr17-48726906-G-A. GRCh37 (hg19) VCF-style: chr17-46804268-G-A.
Other names: short protein forms R247C.
Identifiers: ClinVar variation 827017 (VCV000827017.17), dbSNP rs750244360, ClinGen allele CA8633921.
Genomic context (GRCh38, chr17:48,726,906, plus strand): 5'-GGTTCTGAAACCAGATGGTAATCTGGCGCTCCGAGAGGCTGGTGGCTGCCGAGATCTTGC[G>A]CCTCTTGTCCTTGGTGATGAACTTGTTAGCCGCATACTCCCGCTCCAGCTCCCGCAACTG-3'
Protein context (NP_006352.2, residues 237-257): ANKFITKDKR[Arg247Cys]KISAATSLSE